The following is an entry in ClinVar:

ClinVar aggregate classification (germline): Uncertain significance (1 of 4 stars; one submission).

Conditions:
Epileptic encephalopathy. Identifiers: MedGen C0543888, HP:0200134.

Submission:

Labcorp Genetics (formerly Invitae), Labcorp
Classification: Uncertain significance for Epileptic encephalopathy. Last evaluated: 2022-02-08. Review status: criteria provided, single submitter. Criteria: Invitae Variant Classification Sherloc (09022015). Collection method: clinical testing. Allele origin: germline.
Comment: Variants that disrupt the consensus splice site are a relatively common cause of aberrant splicing (PMID: 17576681, 9536098). Algorithms developed to predict the effect of sequence changes on RNA splicing suggest that this variant may disrupt the consensus splice site. This sequence change falls in intron 15 of the FASN gene. It does not directly change the encoded amino acid sequence of the FASN protein. It affects a nucleotide within the consensus splice site. This variant is not present in population databases (gnomAD no frequency). This variant has not been reported in the literature in individuals affected with FASN-related conditions. In summary, the available evidence is currently insufficient to determine the role of this variant in disease. Therefore, it has been classified as a Variant of Uncertain Significance.

Literature cited by the submitters: PubMed 17576681; PubMed 9536098.

NM_004104.5(FASN):c.2420+4G>T

Gene: FASN (fatty acid synthase; minus strand). Cytogenetic location: 17q25.3.
Variant type: single nucleotide variant.
Coding change: c.2420+4G>T on transcript NM_004104.5 (MANE Select); 4 bases into the intron after coding-DNA position 2420, G replaced by T.
Molecular consequence: intron variant.
Genome position (GRCh38, 1-based): chr17:82,088,757, C>A on the plus strand (G>T on the coding strand, the complement: FASN is on the minus strand). VCF-style: chr17-82088757-C-A. GRCh37 (hg19) VCF-style: chr17-80046633-C-A.
Identifiers: ClinVar variation 2094733 (VCV002094733.4), dbSNP rs1411157049, ClinGen allele CA2580095381.